The following is an entry in ClinVar:

NM_080916.3(DGUOK):c.255+2T>A

Gene: DGUOK (deoxyguanosine kinase; plus strand). Cytogenetic location: 2p13.1.
Variant type: single nucleotide variant.
Coding change: c.255+2T>A on transcript NM_080916.3 (MANE Select); the canonical splice donor site of the intron after coding-DNA position 255, T replaced by A.
Molecular consequence: splice donor variant. On other transcripts: intron variant (4).
Genome position (GRCh38, 1-based): chr2:73,939,024, T>A. VCF-style: chr2-73939024-T-A. GRCh37 (hg19) VCF-style: chr2-74166151-T-A.
Other names: c.-37+6341T>A (NM_001318861.2, NM_001318862.2); c.255+2T>A (NM_080918.3, NM_001318859.2); c.-36-7695T>A (NM_001318860.2, NM_001318863.2).
Identifiers: ClinVar variation 451187 (VCV000451187.2), dbSNP rs1553401827, ClinGen allele CA347297774.

ClinVar aggregate classification (germline): Likely pathogenic (1 of 4 stars; one submission).

Submission:

GeneDx
Classification: Likely pathogenic. Last evaluated: 2017-08-07. Review status: criteria provided, single submitter. Criteria: GeneDx Variant Classification (06012015). Collection method: clinical testing. Allele origin: germline. Affected: yes.
Comment: The c.255+2T>A pathogenic variant in the DGUOK gene has not been reported previously as a pathogenic variant nor as a benign variant, to our knowledge. This splice site variant destroys the canonical splice donor site in intron 2. It is predicted to cause abnormal gene splicing, either leading to an abnormal message that is subject to nonsense-mediated mRNA decay, or to an abnormal protein product if the message is used for protein translation. The c.255+2T>A variant is not observed in large population cohorts (Lek et al., 2016; 1000 Genomes Consortium et al., 2015; Exome Variant Server). We interpret c.255+2T>A as a likely pathogenic variant.